The following is an entry in ClinVar:

NM_001077350.3(NPRL3):c.28G>C (p.Val10Leu)

Genes: HBA-LCR (alpha-globin locus control region; plus strand), NPRL3 (NPR3 like, GATOR1 complex subunit; minus strand). Cytogenetic location: 16p13.3.
Variant type: single nucleotide variant.
Coding change: c.28G>C on transcript NM_001077350.3 (MANE Select); coding-DNA position 28, G replaced by C.
Protein change: p.Val10Leu; replaces valine 10 with leucine.
Molecular consequence: missense variant. On other transcripts: 5 prime UTR variant (2).
Genome position (GRCh38, 1-based): chr16:138,240, C>G on the plus strand (G>C on the coding strand, the complement: NPRL3 is on the minus strand). VCF-style: chr16-138240-C-G. GRCh37 (hg19) VCF-style: chr16-188239-C-G.
Other names: c.-305G>C (NM_001039476.3); c.-344G>C (NM_001243247.2); c.28G>C, p.Val10Leu (NM_001243248.2, NM_001243249.2); short protein forms V10L.
Identifiers: ClinVar variation 3361857 (VCV003361857.1).

ClinVar aggregate classification (germline): Uncertain significance (1 of 4 stars; one submission).

Submission:

GeneDx
Classification: Uncertain significance. Last evaluated: 2023-08-09. Review status: criteria provided, single submitter. Criteria: GeneDx Variant Classification Process June 2021. Collection method: clinical testing. Allele origin: germline. Affected: yes.
Comment: Not observed at significant frequency in large population cohorts (gnomAD); In silico analysis supports that this missense variant does not alter protein structure/function; Has not been previously published as pathogenic or benign to our knowledge